The following is an entry in ClinVar:

NM_181741.4(ORC4):c.437-2A>G

Gene: ORC4 (origin recognition complex subunit 4; minus strand). Cytogenetic location: 2q23.1.
Variant type: single nucleotide variant.
Coding change: c.437-2A>G on transcript NM_181741.4 (MANE Select); the canonical splice acceptor site of the intron before coding-DNA position 437, A replaced by G.
Molecular consequence: splice acceptor variant.
Genome position (GRCh38, 1-based): chr2:147,952,526, T>C on the plus strand (A>G on the coding strand, the complement: ORC4 is on the minus strand). VCF-style: chr2-147952526-T-C. GRCh37 (hg19) VCF-style: chr2-148710095-T-C.
Other names: c.437-2A>G (NM_181742.4, NM_001190879.3, NM_002552.5 and 1 more transcripts); c.185-2A>G (NM_001190881.3, NM_001374272.1); c.215-2A>G (NM_001190882.3).
Identifiers: ClinVar variation 2785032 (VCV002785032.3), dbSNP rs1403735168, ClinGen allele CA348714038.

ClinVar aggregate classification (germline): Likely pathogenic (1 of 4 stars; one submission).

Allele frequency attached by ClinVar (database versions not stated): gnomAD exomes 0.00001; TOPMed below 0.00001; gnomAD 0.00001.
gnomAD v4.1: 18 of 1,590,742 alleles (0.0011%); highest among the groups gnomAD compares: Non-Finnish European, 0.0015%; no homozygotes.

Submission:

Labcorp Genetics (formerly Invitae), Labcorp
Classification: Likely pathogenic. Last evaluated: 2023-04-20. Review status: criteria provided, single submitter. Criteria: Invitae Variant Classification Sherloc (09022015). Collection method: clinical testing. Allele origin: germline.
Comment: This sequence change affects an acceptor splice site in intron 7 of the ORC4 gene. It is expected to disrupt RNA splicing. Variants that disrupt the donor or acceptor splice site typically lead to a loss of protein function (PMID: 16199547), and loss-of-function variants in ORC4 are known to be pathogenic (PMID: 21358631, 21358632, 22333897). In summary, the currently available evidence indicates that the variant is pathogenic, but additional data are needed to prove that conclusively. Therefore, this variant has been classified as Likely Pathogenic. Algorithms developed to predict the effect of sequence changes on RNA splicing suggest that this variant may disrupt the consensus splice site. This variant has not been reported in the literature in individuals affected with ORC4-related conditions. This variant is present in population databases (no rsID available, gnomAD 0.0009%).

Literature cited by the submitters: PubMed 16199547; PubMed 21358631; PubMed 21358632; PubMed 22333897.